The following is an entry in ClinVar:

ClinVar aggregate classification (germline): Pathogenic (1 of 4 stars; one submission).

Submission:

Labcorp Genetics (formerly Invitae), Labcorp
Classification: Pathogenic. Last evaluated: 2022-03-09. Review status: criteria provided, single submitter. Criteria: Invitae Variant Classification Sherloc (09022015). Collection method: clinical testing. Allele origin: germline.
Comment: For these reasons, this variant has been classified as Pathogenic. This variant disrupts the C-terminus of the RP1 protein. Many variants that disrupt this region have been reported in individuals with either autosomal dominant or autosomal recessive retinitis pigmentosa (PMID: 11527933, 19933189, 29425069, 30027431). Therefore, variants that disrupt this region are expected to be disease-causing. ClinVar contains an entry for this variant (Variation ID: 1074882). This variant has not been reported in the literature in individuals affected with RP1-related conditions. This variant is not present in population databases (gnomAD no frequency). This sequence change creates a premature translational stop signal (p.Ile702Metfs*6) in the RP1 gene. While this is not anticipated to result in nonsense mediated decay, it is expected to disrupt the last 1455 amino acid(s) of the RP1 protein.

Literature cited by the submitters: PubMed 11527933; PubMed 19933189; PubMed 29425069; PubMed 30027431.

NM_006269.2(RP1):c.2105_2106insG (p.Ile702fs)

Gene: RP1 (RP1 axonemal microtubule associated; plus strand). Cytogenetic location: 8q12.1.
Variant type: Insertion.
Coding change: c.2105_2106insG on transcript NM_006269.2 (MANE Select); coding-DNA positions 2105 to 2106, G inserted.
Protein change: p.Ile702fs; shifts the reading frame from isoleucine 702.
Molecular consequence: frameshift variant. On other transcripts: intron variant (1).
Genome position: GRCh38 VCF-style: chr8-54625987-T-TG. GRCh37 (hg19) VCF-style: chr8-55538547-T-TG.
Other names: c.787+3699_787+3700insG (NM_001375654.1); short protein forms I702fs.
Identifiers: ClinVar variation 1074882 (VCV001074882.9), dbSNP rs2129316431, ClinGen allele CA2499219348.